The following is an entry in ClinVar:

ClinVar aggregate classification (germline): Uncertain significance. Review status: criteria provided, multiple submitters, no conflicts (2 of 4 stars). 2 submissions from 2 submitters: Uncertain significance (2). Last evaluated 2024-02-20.

Conditions:
Inborn genetic diseases. Identifiers: MedGen C0950123, MeSH D030342.

Allele frequency attached by ClinVar (database versions not stated): gnomAD 0.00001; TOPMed 0.00001; ExAC 0.00002; ESP Exome Variant Server 0.00008.

Submissions (2):

Labcorp Genetics (formerly Invitae), Labcorp
Classification: Uncertain significance. Last evaluated: 2024-02-20. Review status: criteria provided, single submitter. Criteria: Invitae Variant Classification Sherloc (09022015). Collection method: clinical testing. Allele origin: germline.
Comment: This sequence change replaces arginine, which is basic and polar, with glycine, which is neutral and non-polar, at codon 89 of the MMP14 protein (p.Arg89Gly). This variant is present in population databases (rs373247395, gnomAD 0.004%). This variant has not been reported in the literature in individuals affected with MMP14-related conditions. ClinVar contains an entry for this variant (Variation ID: 2455654). Advanced modeling of protein sequence and biophysical properties (such as structural, functional, and spatial information, amino acid conservation, physicochemical variation, residue mobility, and thermodynamic stability) performed at Invitae indicates that this missense variant is not expected to disrupt MMP14 protein function with a negative predictive value of 80%. In summary, the available evidence is currently insufficient to determine the role of this variant in disease. Therefore, it has been classified as a Variant of Uncertain Significance.

Ambry Genetics
Classification: Uncertain significance for Inborn genetic diseases. Last evaluated: 2023-01-18. Review status: criteria provided, single submitter. Criteria: Ambry Variant Classification Scheme 2023. Collection method: clinical testing. Allele origin: germline.

NM_004995.4(MMP14):c.265A>G (p.Arg89Gly)

Gene: MMP14 (matrix metallopeptidase 14; plus strand). Cytogenetic location: 14q11.2.
Variant type: single nucleotide variant.
Coding change: c.265A>G on transcript NM_004995.4 (MANE Select); coding-DNA position 265, A replaced by G.
Protein change: p.Arg89Gly; replaces arginine 89 with glycine.
Molecular consequence: missense variant.
Genome position (GRCh38, 1-based): chr14:22,841,920, A>G. VCF-style: chr14-22841920-A-G. GRCh37 (hg19) VCF-style: chr14-23311129-A-G.
Other names: short protein forms R89G.
Identifiers: ClinVar variation 2455654 (VCV002455654.5), dbSNP rs373247395, ClinGen allele CA7105135.